The following is an entry in ClinVar:

ClinVar aggregate classification (germline): not provided (0 of 4 stars; one submission).

Allele frequency attached by ClinVar (database versions not stated): gnomAD 0.00007; TOPMed 0.00010.

Submission:

Human Evolutionary Genetics, Institut Pasteur
No classification provided. Review status: no classification provided. Collection method: not provided. Allele origin: germline.
ClinVar note: Converted during submission from untested to not provided.

NM_006092.4(NOD1):c.-234G>A

Gene: NOD1 (nucleotide binding oligomerization domain containing 1; minus strand). Cytogenetic location: 7p14.3.
Variant type: single nucleotide variant.
Coding change: c.-234G>A on transcript NM_006092.4 (MANE Select); 234 bases upstream of the start codon, G replaced by A.
Molecular consequence: 5 prime UTR variant. On other transcripts: non-coding transcript variant (1).
Genome position (GRCh38, 1-based): chr7:30,459,924, C>T on the plus strand (G>A on the coding strand, the complement: NOD1 is on the minus strand). VCF-style: chr7-30459924-C-T. GRCh37 (hg19) VCF-style: chr7-30499540-C-T.
Other names: c.-234G>A (NM_001354849.2).
Identifiers: ClinVar variation 103088 (VCV000103088.2), dbSNP rs199475896, ClinGen allele CA230101.